The following is an entry in ClinVar:

ClinVar aggregate classification (germline): Uncertain significance (1 of 4 stars; one submission).

Conditions:
Optic atrophy 3 (OPA3). Also called: Optic atrophy, cataract, and neurologic disorder; OPTIC ATROPHY 3, AUTOSOMAL DOMINANT; Optic atrophy 3 with cataract. Identifiers: Orphanet 67036, MedGen C1833809, MONDO:0008133, OMIM 165300.
3-Methylglutaconic aciduria type 3 (MGCA3). Also called: OPA3, AUTOSOMAL RECESSIVE; OPTIC ATROPHY 3, AUTOSOMAL RECESSIVE; OPA3-Related 3-Methylglutaconic Aciduria; Costeff Syndrome. Identifiers: Orphanet 67047, MedGen C0574084, MONDO:0009787, OMIM 258501.

Submission:

Labcorp Genetics (formerly Invitae), Labcorp
Classification: Uncertain significance for 3-Methylglutaconic aciduria type 3; Optic atrophy 3. Last evaluated: 2022-09-13. Review status: criteria provided, single submitter. Criteria: Invitae Variant Classification Sherloc (09022015). Collection method: clinical testing. Allele origin: germline.
Comment: This sequence change creates a premature translational stop signal (p.Lys28Argfs*44) in the OPA3 gene. While this is not anticipated to result in nonsense mediated decay, it is expected to disrupt the last 152 amino acid(s) of the OPA3 protein. This variant is not present in population databases (gnomAD no frequency). This variant has not been reported in the literature in individuals affected with OPA3-related conditions. Experimental studies and prediction algorithms are not available or were not evaluated, and the functional significance of this variant is currently unknown. This variant disrupts the C-terminus of the OPA3 protein. Other variant(s) that disrupt this region (p.Gly65Alafs*7, p.Gln139*) have been observed in individuals with OPA3-related conditions (PMID: 18985435, 27629047). This suggests that this may be a clinically significant region of the protein. In summary, the available evidence is currently insufficient to determine the role of this variant in disease. Therefore, it has been classified as a Variant of Uncertain Significance.

Literature cited by the submitters: PubMed 18985435; PubMed 27629047.

NM_025136.4(OPA3):c.81del (p.Lys28fs)

Genes: OPA3 (outer mitochondrial membrane lipid metabolism regulator OPA3; minus strand), OPA3-RTN2 (OPA3-RTN2 readthrough; minus strand), LOC130064709 (ATAC-STARR-seq lymphoblastoid active region 14802; plus strand). Cytogenetic location: 19q13.32.
Variant type: Deletion.
Coding change: c.81del on transcript NM_025136.4 (MANE Select); coding-DNA position 81, one base deleted (T; older notation c.81delT).
Protein change: p.Lys28fs; shifts the reading frame from lysine 28.
Molecular consequence: frameshift variant.
Genome position (GRCh38, 1-based): chr19:45,584,684, A deleted on the plus strand (T on the coding strand, the reverse complement: OPA3 is on the minus strand); the first of 2 consecutive A bases (chr19:45,584,684-45,584,685); deleting either gives the same sequence. VCF-style (leftmost placement, unchanged base first): chr19-45584683-TA-T. GRCh37 (hg19) VCF-style: chr19-46087941-TA-T.
Other names: c.81del, p.Lys28fs (NM_001017989.3); short protein forms K28fs.
Identifiers: ClinVar variation 1934091 (VCV001934091.2), dbSNP rs2513861263, ClinGen allele CA2580097407.
Genomic context (GRCh38, chr19:45,584,683, plus strand): 5'-GTTGAGCCGGCGGGAGGCAGATATAGGTCTTGAAGAACTCGCTTCGGCGGGCGGCCTCCT[TA>T]ATACGGTTGGCAAGCGGCTTGCTGACCTGCCGGATGCCCAAGTATAGCAGCTTCGCCATA-3'